The following is an entry in ClinVar:

ClinVar aggregate classification (germline): Uncertain significance (1 of 4 stars; one submission).

Allele frequency attached by ClinVar (database versions not stated): TOPMed below 0.00001; gnomAD 0.00001; gnomAD exomes 0.00002.
gnomAD v4.1: 24 of 1,614,058 alleles (0.0015%); highest among the groups gnomAD compares: Non-Finnish European, 0.002%; no homozygotes.

Submission:

Labcorp Genetics (formerly Invitae), Labcorp
Classification: Uncertain significance. Last evaluated: 2023-06-13. Review status: criteria provided, single submitter. Criteria: Invitae Variant Classification Sherloc (09022015). Collection method: clinical testing. Allele origin: germline.
Comment: Advanced modeling of protein sequence and biophysical properties (such as structural, functional, and spatial information, amino acid conservation, physicochemical variation, residue mobility, and thermodynamic stability) performed at Invitae indicates that this missense variant is not expected to disrupt GABRB1 protein function. ClinVar contains an entry for this variant (Variation ID: 2051751). This variant has not been reported in the literature in individuals affected with GABRB1-related conditions. This variant is present in population databases (no rsID available, gnomAD 0.002%). This sequence change replaces valine, which is neutral and non-polar, with methionine, which is neutral and non-polar, at codon 387 of the GABRB1 protein (p.Val387Met). In summary, the available evidence is currently insufficient to determine the role of this variant in disease. Therefore, it has been classified as a Variant of Uncertain Significance.

NM_000812.4(GABRB1):c.1159G>A (p.Val387Met)

Gene: GABRB1 (gamma-aminobutyric acid type A receptor subunit beta1; plus strand). Cytogenetic location: 4p12.
Variant type: single nucleotide variant.
Coding change: c.1159G>A on transcript NM_000812.4 (MANE Select); coding-DNA position 1159, G replaced by A.
Protein change: p.Val387Met; replaces valine 387 with methionine.
Molecular consequence: missense variant.
Genome position (GRCh38, 1-based): chr4:47,425,752, G>A. VCF-style: chr4-47425752-G-A. GRCh37 (hg19) VCF-style: chr4-47427769-G-A.
Other names: short protein forms V387M.
Identifiers: ClinVar variation 2051751 (VCV002051751.4), dbSNP rs1325691742, ClinGen allele CA356767140.